The following is an entry in ClinVar:

NM_005502.4(ABCA1):c.664C>A (p.Leu222Met)

Gene: ABCA1 (ATP binding cassette subfamily A member 1; minus strand). Cytogenetic location: 9q31.1.
Variant type: single nucleotide variant.
Coding change: c.664C>A on transcript NM_005502.4 (MANE Select); coding-DNA position 664, C replaced by A.
Protein change: p.Leu222Met; replaces leucine 222 with methionine.
Molecular consequence: missense variant.
Genome position (GRCh38, 1-based): chr9:104,858,578, G>T on the plus strand (C>A on the coding strand, the complement: ABCA1 is on the minus strand). VCF-style: chr9-104858578-G-T. GRCh37 (hg19) VCF-style: chr9-107620859-G-T.
Other names: short protein forms L222M.
Identifiers: ClinVar variation 1955555 (VCV001955555.5), dbSNP rs778130619, ClinGen allele CA374311335.

ClinVar aggregate classification (germline): Uncertain significance (1 of 4 stars; one submission).

gnomAD v4.1: 1 of 1,614,176 alleles (0.000062%); highest among the groups gnomAD compares: Admixed American, 0.0017%; no homozygotes.

Submission:

Labcorp Genetics (formerly Invitae), Labcorp
Classification: Uncertain significance. Last evaluated: 2022-04-22. Review status: criteria provided, single submitter. Criteria: Invitae Variant Classification Sherloc (09022015). Collection method: clinical testing. Allele origin: germline.
Comment: This variant has not been reported in the literature in individuals affected with ABCA1-related conditions. In summary, the available evidence is currently insufficient to determine the role of this variant in disease. Therefore, it has been classified as a Variant of Uncertain Significance. Algorithms developed to predict the effect of missense changes on protein structure and function are either unavailable or do not agree on the potential impact of this missense change (SIFT: "Tolerated"; PolyPhen-2: "Possibly Damaging"; Align-GVGD: "Class C0"). This variant is not present in population databases (gnomAD no frequency). This sequence change replaces leucine, which is neutral and non-polar, with methionine, which is neutral and non-polar, at codon 222 of the ABCA1 protein (p.Leu222Met).